The following is an entry in ClinVar:

NM_005445.4(SMC3):c.430-3del

Gene: SMC3 (structural maintenance of chromosomes 3; plus strand). Cytogenetic location: 10q25.2.
Variant type: Deletion.
Coding change: c.430-3del on transcript NM_005445.4 (MANE Select); 3 bases into the intron before coding-DNA position 430, one base deleted (T; older notation c.430-3delT).
Molecular consequence: intron variant.
Genome position (GRCh38, 1-based): chr10:110,580,901, T deleted; the last of 4 consecutive T bases (chr10:110,580,898-110,580,901); deleting any one gives the same sequence. VCF-style (leftmost placement, unchanged base first): chr10-110580897-AT-A. GRCh37 (hg19) VCF-style: chr10-112340655-AT-A.
Identifiers: ClinVar variation 3767857 (VCV003767857.1).
Genomic context (GRCh38, chr10:110,580,897, plus strand): 5'-AACGTGGAGTTCTTCTTCTTAAACGGAGGCTACAGCTATGTAATGATTATTTTTCTAAAA[AT>A]TTTAGATCAACCAGATGGCAACAGCACCAGATTCTCAGAGATTAAAGCTATTAAGAGAAG-3'

ClinVar aggregate classification (germline): Uncertain significance (1 of 4 stars; one submission).

Conditions:
Cornelia de Lange syndrome 3 (CDLS3). Also called: SMC3-Related Cornelia de Lange Syndrome; CORNELIA DE LANGE SYNDROME 3 WITH OR WITHOUT MIDLINE BRAIN DEFECTS. Identifiers: Orphanet 199, MedGen C1853099, MONDO:0012555, OMIM 610759.

Submission:

Clinical Genomics Laboratory, Stanford Medicine
Classification: Uncertain significance for Cornelia de Lange syndrome 3. Last evaluated: 2023-03-22. Review status: criteria provided, single submitter. Criteria: ACMG Guidelines, 2015. Collection method: clinical testing. Allele origin: germline. Affected: yes. Observed: 1 variant allele, 1 heterozygote.
Comment: The c.430-3del variant in the SMC3 gene has not been previously reported in association with disease.This variant was absent from large population databases, including the Genome Aggregation Database. This variant occurs in the 3’ acceptor splice site of intron 7. Computational splicing tools do not agree on the predicted impact to splicing; however, the accuracy of in silico algorithms is limited. These data were assessed using the ACMG/AMP variant interpretation guidelines. In summary, the significance of the c.430-3del variant is uncertain. Additional information is needed to resolve the significance of this variant. [ACMG evidence codes used: PM2]